The following is an entry in ClinVar:

NM_005313.5(PDIA3):c.1224C>T (p.His408=)

Gene: PDIA3 (protein disulfide isomerase family A member 3; plus strand). Cytogenetic location: 15q15.3.
Variant type: single nucleotide variant.
Coding change: c.1224C>T on transcript NM_005313.5 (MANE Select); coding-DNA position 1224, C replaced by T.
Protein change: p.His408=; no amino-acid change (histidine 408 retained).
Molecular consequence: synonymous variant.
Genome position (GRCh38, 1-based): chr15:43,769,604, C>T. VCF-style: chr15-43769604-C-T. GRCh37 (hg19) VCF-style: chr15-44061802-C-T.
Identifiers: ClinVar variation 1257424 (VCV001257424.5), dbSNP rs1053492, ClinGen allele CA7529849.
Genomic context (GRCh38, chr15:43,769,604, plus strand): 5'-AATAGTGAATAATGAAAATAAAGATGTGCTGATTGAATTTTATGCCCCTTGGTGTGGTCA[C>T]TGTAAGAACCTGGAGCCCAAGTATAAAGAACTTGGCGAGAAGGTAAGTGTGAACCCTATT-3'
Protein context (NP_005304.3, residues 398-418): LIEFYAPWCG[His408=]CKNLEPKYKE

ClinVar aggregate classification (germline): Benign. Review status: criteria provided, multiple submitters, no conflicts (2 of 4 stars). 3 submissions from 3 submitters: Benign (2). 1 of the submissions does not count toward it. Last evaluated 2021-06-09.

Conditions:
PDIA3-related disorder. Also called: PDIA3-related condition.

Allele frequency attached by ClinVar (database versions not stated): 1000 Genomes Project 30x 0.50047; 1000 Genomes Project 0.50459; TOPMed 0.53500; ESP Exome Variant Server 0.54204; gnomAD 0.55789 and 0.56381; ExAC 0.65616; gnomAD exomes 0.66522 and 0.70146.
gnomAD v4.1: 1,108,295 of 1,612,240 alleles (69%); highest among the groups gnomAD compares: Non-Finnish European, 72%; 393,848 homozygotes.

Submissions (3):

GeneDx
Classification: Benign. Last evaluated: 2021-06-09. Review status: criteria provided, single submitter. Criteria: GeneDx Variant Classification Process June 2021. Collection method: clinical testing. Allele origin: germline. Affected: yes.

Breakthrough Genomics
Classification: Benign. Review status: criteria provided, single submitter. Criteria: ACMG Guidelines, 2015. Collection method: not provided. Allele origin: germline. Inheritance: Unknown mechanism. Affected: yes.

PreventionGenetics, part of Exact Sciences
Classification: Benign for PDIA3-related condition. Last evaluated: 2019-10-17. Review status: no assertion criteria provided. Collection method: clinical testing. Allele origin: germline. Not counted in ClinVar's aggregate classification.
Comment: This variant is classified as benign based on ACMG/AMP sequence variant interpretation guidelines (Richards et al. 2015 PMID: 25741868, with internal and published modifications).